The following is an entry in ClinVar:

ClinVar aggregate classification (germline): Uncertain significance (1 of 4 stars; one submission).

Conditions:
Capillary malformation-arteriovenous malformation syndrome. Also called: Capillary malformation-arteriovenous malformation. Identifiers: Orphanet 137667, MedGen C1842180, MONDO:0012016.

gnomAD v4.1: 3 of 1,614,142 alleles (0.00019%); highest among the groups gnomAD compares: Non-Finnish European, 0.00025%; no homozygotes.

Submission:

Labcorp Genetics (formerly Invitae), Labcorp
Classification: Uncertain significance for Capillary malformation-arteriovenous malformation syndrome. Last evaluated: 2025-12-31. Review status: criteria provided, single submitter. Criteria: Invitae Variant Classification Sherloc (09022015). Collection method: clinical testing. Allele origin: germline.
Comment: This sequence change replaces glutamic acid, which is acidic and polar, with aspartic acid, which is acidic and polar, at codon 985 of the RASA1 protein (p.Glu985Asp). This variant is not present in population databases (gnomAD no frequency). This variant has not been reported in the literature in individuals affected with RASA1-related conditions. An algorithm developed to predict the effect of missense changes on protein structure and function outputs the following: PolyPhen-2: "Benign". The aspartic acid amino acid residue is found in multiple mammalian species, which suggests that this missense change does not adversely affect protein function. In summary, the available evidence is currently insufficient to determine the role of this variant in disease. Therefore, it has been classified as a Variant of Uncertain Significance.

NM_002890.3(RASA1):c.2955G>C (p.Glu985Asp)

Genes: CCNH (cyclin H; minus strand), RASA1 (RAS p21 protein activator 1; plus strand). Cytogenetic location: 5q14.3.
Variant type: single nucleotide variant.
Coding change: c.2955G>C on transcript NM_002890.3 (MANE Select); coding-DNA position 2955, G replaced by C.
Protein change: p.Glu985Asp; replaces glutamic acid 985 with aspartic acid.
Molecular consequence: missense variant. On other transcripts: intron variant (1).
Genome position (GRCh38, 1-based): chr5:87,389,422, G>C. VCF-style: chr5-87389422-G-C. GRCh37 (hg19) VCF-style: chr5-86685239-G-C.
Other names: c.2424G>C, p.Glu808Asp (NM_022650.3); c.933+5622C>G (NM_001364075.2); short protein forms E808D, E985D.
Identifiers: ClinVar variation 4737386 (VCV004737386.1).